The following is an entry in ClinVar:

NM_005585.5(SMAD6):c.314T>A (p.Leu105Gln)

Gene: SMAD6 (SMAD family member 6; plus strand). Cytogenetic location: 15q22.31.
Variant type: single nucleotide variant.
Coding change: c.314T>A on transcript NM_005585.5 (MANE Select); coding-DNA position 314, T replaced by A.
Protein change: p.Leu105Gln; replaces leucine 105 with glutamine.
Molecular consequence: missense variant. On other transcripts: non-coding transcript variant (1).
Genome position (GRCh38, 1-based): chr15:66,703,572, T>A. VCF-style: chr15-66703572-T-A. GRCh37 (hg19) VCF-style: chr15-66995910-T-A.
Other names: short protein forms L105Q.
Identifiers: ClinVar variation 4763391 (VCV004763391.1).
Genomic context (GRCh38, chr15:66,703,572, plus strand): 5'-GCGCAGGGGGCCCCCCGAGGCCCATGTCGGAGCCAGGGGCCGGCGCTGGGAGCTCCCTGC[T>A]GGACGTGGCGGAGCCGGGAGGCCCGGGCTGGCTGCCCGAGAGTGACTGCGAGACGGTGAC-3'
Protein context (NP_005576.3, residues 95-115): EPGAGAGSSL[Leu105Gln]DVAEPGGPGW

ClinVar aggregate classification (germline): Uncertain significance (1 of 4 stars; one submission).

Conditions:
Aortic valve disease 2 (AOVD2). Identifiers: MedGen C3542024, MONDO:0013902, OMIM 614823.

Submission:

Labcorp Genetics (formerly Invitae), Labcorp
Classification: Uncertain significance for Aortic valve disease 2. Last evaluated: 2025-09-15. Review status: criteria provided, single submitter. Criteria: Invitae Variant Classification Sherloc (09022015). Collection method: clinical testing. Allele origin: germline.
Comment: This sequence change replaces leucine, which is neutral and non-polar, with glutamine, which is neutral and polar, at codon 105 of the SMAD6 protein (p.Leu105Gln). This variant is not present in population databases (gnomAD no frequency). This variant has not been reported in the literature in individuals affected with SMAD6-related conditions. An algorithm developed to predict the effect of missense changes on protein structure and function (PolyPhen-2) suggests that this variant is likely to be tolerated. In summary, the available evidence is currently insufficient to determine the role of this variant in disease. Therefore, it has been classified as a Variant of Uncertain Significance.